The following is an entry in ClinVar:

ClinVar aggregate classification (germline): Likely pathogenic. Review status: criteria provided, multiple submitters, no conflicts (2 of 4 stars). 3 submissions from 3 submitters: Likely pathogenic (3). Last evaluated 2024-10-28.

Conditions:
Dilated cardiomyopathy 1G (CMD1G). Identifiers: Orphanet 154, MedGen C1858763, MONDO:0011400, OMIM 604145.
Autosomal recessive limb-girdle muscular dystrophy type 2J (LGMDR10). Also called: Limb-girdle muscular dystrophy, type 2J; MUSCULAR DYSTROPHY, LIMB-GIRDLE, AUTOSOMAL RECESSIVE 10. Identifiers: Orphanet 140922, MedGen C1837342, MONDO:0012127, OMIM 608807.
Primary dilated cardiomyopathy (DCM). Also called: Dilated Cardiomyopathy. Identifiers: Orphanet 217604, MedGen C0007193, MeSH D002311, MONDO:0005021, HP:0001644. Inheritance: Various modes of inheritance.

Allele frequency attached by ClinVar (database versions not stated): gnomAD exomes below 0.00001.

Submissions (3):

Labcorp Genetics (formerly Invitae), Labcorp
Classification: Likely pathogenic for Dilated cardiomyopathy 1G; Autosomal recessive limb-girdle muscular dystrophy type 2J. Last evaluated: 2024-10-28. Review status: criteria provided, single submitter. Criteria: Invitae Variant Classification Sherloc (09022015). Collection method: clinical testing. Allele origin: germline.
Comment: This sequence change affects a splice site in intron 134 of the TTN gene. It is expected to disrupt RNA splicing and likely results in a truncated or disrupted TTN protein. This variant is not present in population databases (gnomAD no frequency). This variant has not been observed in the literature in individuals with autosomal recessive TTN-related conditions. This variant has been reported in individual(s) with dilated cardiomyopathy (PMID: 25589632); however, the role of the variant in this condition is currently unclear. ClinVar contains an entry for this variant (Variation ID: 223271). Algorithms developed to predict the effect of sequence changes on RNA splicing suggest that this variant may disrupt the consensus splice site. This variant is located in the I band of TTN (PMID: 25589632). Truncating variants in this region have been reported in individuals affected with autosomal recessive centronuclear myopathy (PMID: 23975875, internal data). Truncating variants in this region have also been identified in individuals affected with autosomal dominant dilated cardiomyopathy and/or cardio-related conditions (PMID: 27869827, 32964742, internal data). In summary, the currently available evidence indicates that the variant is pathogenic, but additional data are needed to prove that conclusively. Therefore, this variant has been classified as Likely Pathogenic.

AiLife Diagnostics
Classification: Likely pathogenic. Last evaluated: 2021-08-10. Review status: criteria provided, single submitter. Criteria: ACMG Guidelines, 2015. Collection method: clinical testing. Allele origin: germline. Affected: yes. Observed: 1 variant allele.

Cardiovascular Biomedical Research Unit, Royal Brompton & Harefield NHS Foundation Trust
Classification: Likely pathogenic for Primary dilated cardiomyopathy. Last evaluated: 2014-10-08. Review status: criteria provided, single submitter. Criteria: Roberts et al. 2015. Collection method: research. Allele origin: germline. Inheritance: Autosomal dominant inheritance. Affected: yes. Observed: 1 variant allele. Study: Unselected DCM.
Comment: In the seven cohorts assessed, TTNtv were found in 14% of ambulant DCM, 22% end-stage or familial DCM, and 2% controls. Heterozygous nonsense, frameshift and canonical splice-disrupting variants found in constitutive and other highly utilised exons are highly likely to be pathogenic when identified in individuals with phenotypically confirmed DCM. TTNtv found incidentally in healthy individuals (excluding familial assessment of DCM relatives) are thought to have low penetrance, particularly when identified in exons that are not constitutively expressed in the heart.

Literature cited by the submitters: PubMed 25589632 (cited by Labcorp Genetics (formerly Invitae), Labcorp and AiLife Diagnostics); PubMed 23975875 (cited by Labcorp Genetics (formerly Invitae), Labcorp); PubMed 27869827 (cited by Labcorp Genetics (formerly Invitae), Labcorp); PubMed 32964742 (cited by Labcorp Genetics (formerly Invitae), Labcorp); PubMed 26777568 (cited by AiLife Diagnostics).

NM_001267550.2(TTN):c.32888-1del

Gene: TTN (titin; minus strand). Cytogenetic location: 2q31.2.
Variant type: Deletion.
Coding change: c.32888-1del on transcript NM_001267550.2 (MANE Select); the canonical splice acceptor site of the intron before coding-DNA position 32888, one base deleted (G; older notation c.32888-1delG).
Molecular consequence: splice acceptor variant. On other transcripts: intron variant (3).
Genome position (GRCh38, 1-based): chr2:178,682,904, C deleted on the plus strand (G on the coding strand, the reverse complement: TTN is on the minus strand). VCF-style (leftmost placement, unchanged base first): chr2-178682903-TC-T. GRCh37 (hg19) VCF-style: chr2-179547630-TC-T.
Other names: c.32888-1delG (LRG_391t1); c.13283-40587del (NM_003319.4); c.13859-40587del (NM_133437.4); c.13658-40587del (NM_133432.3); c.29156-1del (NM_133378.4); c.31937-1del (NM_001256850.1).
Identifiers: ClinVar variation 223271 (VCV000223271.8), dbSNP rs869312041, ClinGen allele CA353365.